The following is an entry in ClinVar:

NM_001376.5(DYNC1H1):c.12862G>A (p.Val4288Ile)

Gene: DYNC1H1 (dynein cytoplasmic 1 heavy chain 1; plus strand). Cytogenetic location: 14q32.31.
Variant type: single nucleotide variant.
Coding change: c.12862G>A on transcript NM_001376.5 (MANE Select); coding-DNA position 12862, G replaced by A.
Protein change: p.Val4288Ile; replaces valine 4288 with isoleucine.
Molecular consequence: missense variant.
Genome position (GRCh38, 1-based): chr14:102,044,451, G>A. VCF-style: chr14-102044451-G-A. GRCh37 (hg19) VCF-style: chr14-102510788-G-A.
Other names: short protein forms V4288I.
Identifiers: ClinVar variation 4687347 (VCV004687347.2).
Genomic context (GRCh38, chr14:102,044,451, plus strand): 5'-TTCCTGGAGCGCCTGTTCACAACCAGGAGTTTCGACAGTGAGTTTAAGCTGGCATGCAAG[G>A]TCGACGGACATAAAGACATTCAAATGCCAGATGGCATCAGGTATGCTGCTGCCTGCTGGA-3'
Protein context (NP_001367.2, residues 4278-4298): FDSEFKLACK[Val4288Ile]DGHKDIQMPD

ClinVar aggregate classification (germline): Uncertain significance. Review status: criteria provided, multiple submitters, no conflicts (2 of 4 stars). 2 submissions from 2 submitters: Uncertain significance (2). Last evaluated 2025-11-12.

Conditions:
Charcot-Marie-Tooth disease axonal type 2O. Also called: CHARCOT-MARIE-TOOTH DISEASE, AXONAL, AUTOSOMAL DOMINANT, TYPE 2O; CHARCOT-MARIE-TOOTH NEUROPATHY, AXONAL, TYPE 2O; Charcot-Marie-Tooth Neuropathy Type 2O; Charcot-Marie-Tooth disease, axonal, type 20. Identifiers: Orphanet 284232, MedGen C3280220, MONDO:0013644, OMIM 614228.

gnomAD v4.1: 2 of 1,614,110 alleles (0.00012%); highest among the groups gnomAD compares: African/African-American, 0.0027%; no homozygotes.

Submissions (2):

Labcorp Genetics (formerly Invitae), Labcorp
Classification: Uncertain significance for Charcot-Marie-Tooth disease axonal type 2O. Last evaluated: 2025-11-12. Review status: criteria provided, single submitter. Criteria: Invitae Variant Classification Sherloc (09022015). Collection method: clinical testing. Allele origin: germline.
Comment: This sequence change replaces valine, which is neutral and non-polar, with isoleucine, which is neutral and non-polar, at codon 4288 of the DYNC1H1 protein (p.Val4288Ile). This variant is not present in population databases (gnomAD no frequency). This variant has not been reported in the literature in individuals affected with DYNC1H1-related conditions. Invitae Evidence Modeling of protein sequence and biophysical properties (such as structural, functional, and spatial information, amino acid conservation, physicochemical variation, residue mobility, and thermodynamic stability) indicates that this missense variant is not expected to disrupt DYNC1H1 protein function with a negative predictive value of 95%. In summary, the available evidence is currently insufficient to determine the role of this variant in disease. Therefore, it has been classified as a Variant of Uncertain Significance.

Women's Health and Genetics/Laboratory Corporation of America, LabCorp
Classification: Uncertain significance. Last evaluated: 2025-10-13. Review status: criteria provided, single submitter. Criteria: LabCorp Variant Classification Summary - May 2015. Collection method: clinical testing. Allele origin: germline.
Comment: Variant summary: DYNC1H1 c.12862G>A (p.Val4288Ile) results in a conservative amino acid change in the encoded protein sequence. Algorithms developed to predict the effect of missense changes on protein structure and function are either unavailable or do not agree on the potential impact of this missense change. The variant was absent in 251434 control chromosomes. The available data on variant occurrences in the general population are insufficient to allow any conclusion about variant significance. To our knowledge, no occurrence of c.12862G>A in individuals affected with DYNC1H1-related conditions and no experimental evidence demonstrating its impact on protein function have been reported. No submitters have cited clinical-significance assessments for this variant to ClinVar. Based on the evidence outlined above, the variant was classified as uncertain significance.